The following is an entry in ClinVar:

ClinVar aggregate classification (germline): Uncertain significance (1 of 4 stars; one submission).

Conditions:
Early Myoclonic Encephalopathy. Identifiers: MedGen C0270855.

Allele frequency attached by ClinVar (database versions not stated): gnomAD exomes below 0.00001.
gnomAD v4.1: 1 of 1,614,004 alleles (0.000062%); highest among the groups gnomAD compares: Admixed American, 0.0017%; no homozygotes.

Submission:

Labcorp Genetics (formerly Invitae), Labcorp
Classification: Uncertain significance for Early Myoclonic Encephalopathy. Last evaluated: 2024-10-31. Review status: criteria provided, single submitter. Criteria: Invitae Variant Classification Sherloc (09022015). Collection method: clinical testing. Allele origin: germline.
Comment: This sequence change replaces arginine, which is basic and polar, with lysine, which is basic and polar, at codon 1014 of the JMJD1C protein (p.Arg1014Lys). This variant is not present in population databases (gnomAD no frequency). This variant has not been reported in the literature in individuals affected with JMJD1C-related conditions. ClinVar contains an entry for this variant (Variation ID: 936336). Invitae Evidence Modeling of protein sequence and biophysical properties (such as structural, functional, and spatial information, amino acid conservation, physicochemical variation, residue mobility, and thermodynamic stability) indicates that this missense variant is expected to disrupt JMJD1C protein function with a positive predictive value of 80%. In summary, the available evidence is currently insufficient to determine the role of this variant in disease. Therefore, it has been classified as a Variant of Uncertain Significance.

NM_032776.3(JMJD1C):c.3041G>A (p.Arg1014Lys)

Gene: JMJD1C (jumonji domain containing 1C; minus strand). Cytogenetic location: 10q21.3.
Variant type: single nucleotide variant.
Coding change: c.3041G>A on transcript NM_032776.3 (MANE Select); coding-DNA position 3041, G replaced by A.
Protein change: p.Arg1014Lys; replaces arginine 1014 with lysine.
Molecular consequence: missense variant. On other transcripts: non-coding transcript variant (1).
Genome position (GRCh38, 1-based): chr10:63,208,628, C>T on the plus strand (G>A on the coding strand, the complement: JMJD1C is on the minus strand). VCF-style: chr10-63208628-C-T. GRCh37 (hg19) VCF-style: chr10-64968388-C-T.
Other names: c.2495G>A, p.Arg832Lys (NM_001282948.2, NM_001318154.2); c.2177G>A, p.Arg726Lys (NM_001318153.2); c.2927G>A, p.Arg976Lys (NM_001322252.2); c.2384G>A, p.Arg795Lys (NM_001322254.2, NM_001322258.2); short protein forms R976K, R1014K, R726K, R795K, R832K.
Identifiers: ClinVar variation 936336 (VCV000936336.9), dbSNP rs1846951278, ClinGen allele CA377042976.